The following is an entry in ClinVar:

NM_017951.5(SMPD4):c.167T>C (p.Phe56Ser)

Gene: SMPD4 (sphingomyelin phosphodiesterase 4; minus strand). Cytogenetic location: 2q21.1.
Variant type: single nucleotide variant.
Coding change: c.167T>C on transcript NM_017951.5 (MANE Select); coding-DNA position 167, T replaced by C.
Protein change: p.Phe56Ser; replaces phenylalanine 56 with serine.
Molecular consequence: missense variant. On other transcripts: non-coding transcript variant (1), intron variant (1).
Genome position (GRCh38, 1-based): chr2:130,173,616, A>G on the plus strand (T>C on the coding strand, the complement: SMPD4 is on the minus strand). VCF-style: chr2-130173616-A-G. GRCh37 (hg19) VCF-style: chr2-130931189-A-G.
Other names: c.284T>C, p.Phe95Ser (NM_017751.4); c.244-721T>C (NM_001171083.2); short protein forms F56S, F95S.
Identifiers: ClinVar variation 4884598 (VCV004884598.1).

ClinVar aggregate classification (germline): VUS-low (1 of 4 stars; one submission).

Conditions:
Neurodevelopmental disorder with microcephaly, arthrogryposis, and structural brain anomalies. Identifiers: Orphanet 664923, MedGen C5231431, MONDO:0032838, OMIM 618622.

gnomAD v4.1: 1 of 1,613,866 alleles (0.000062%); highest among the groups gnomAD compares: Non-Finnish European, 0.000085%; no homozygotes.

Submission:

Department of Genetic Medicine, Beijing Chigene Translational Medicine Research Center
Classification: VUS-low for Neurodevelopmental disorder with microcephaly, arthrogryposis, and structural brain anomalies. Last evaluated: 2026-08-10. Review status: criteria provided, single submitter. Criteria: ACMG Guidelines, 2015. Collection method: clinical testing. Allele origin: maternal. Inheritance: Autosomal recessive inheritance. Affected: yes. Observed: 1 variant allele, 1 compound heterozygote.
Comment: SMPD4 c.167T>C (p.Phe56Ser)) results in a conservative amino acid change in the encoded protein sequence. Four of five in-silico tools predict a damaging effect of the variant on protein function. This variant is not observed at significant frequency in large population cohorts (gnomAD). Based on the evidence outlined above, the variant was classified as uncertain significance.